The following is an entry in ClinVar:

ClinVar aggregate classification (germline): Pathogenic (1 of 4 stars; one submission).

Conditions:
Neurofibromatosis, type 1 (NF1). Also called: NEUROFIBROMATOSIS, TYPE I, SOMATIC; VON RECKLINGHAUSEN DISEASE; Neurofibromatosis, type I; Peripheral type neurofibromatosis. Identifiers: Orphanet 636, MedGen C0027831, MONDO:0018975, OMIM 162200. Disease mechanism: loss of function.

Submission:

Labcorp Genetics (formerly Invitae), Labcorp
Classification: Pathogenic for Neurofibromatosis, type 1. Last evaluated: 2018-09-04. Review status: criteria provided, single submitter. Criteria: Invitae Variant Classification Sherloc (09022015). Collection method: clinical testing. Allele origin: germline.
Comment: This sequence change creates a premature translational stop signal (p.Ile1824Asnfs*17) in the NF1 gene. It is expected to result in an absent or disrupted protein product. This variant is not present in population databases (ExAC no frequency). This variant has not been reported in the literature in individuals with NF1-related disease. Loss-of-function variants in NF1 are known to be pathogenic (PMID: 10712197, 23913538). For these reasons, this variant has been classified as Pathogenic.

Literature cited by the submitters: PubMed 10712197; PubMed 23913538.

NM_001042492.3(NF1):c.5533dup (p.Ile1845fs)

Gene: NF1 (neurofibromin 1; plus strand). Cytogenetic location: 17q11.2.
Variant type: Duplication.
Coding change: c.5533dup on transcript NM_001042492.3 (MANE Select); coding-DNA position 5533, one base duplicated (A; older notation c.5533dupA).
Protein change: p.Ile1845fs; shifts the reading frame from isoleucine 1845.
Molecular consequence: frameshift variant.
Genome position (GRCh38, 1-based): chr17:31,327,763, A duplicated. VCF-style (leftmost placement, unchanged base first): chr17-31327762-G-GA. GRCh37 (hg19) VCF-style: chr17-29654780-G-GA.
Other names: c.5470dupA (NM_000267.3); c.5470dup, p.Ile1824Asnfs (NM_000267.4); short protein forms I1845fs, I1824fs.
Identifiers: ClinVar variation 640360 (VCV000640360.5), dbSNP rs1597832360, ClinGen allele CA915949837.
Genomic context (GRCh38, chr17:31,327,762, plus strand): 5'-CATTCATATCCGGACCCGCTGGGAACTGTCACAGCCCGACTCTATCCCCCAACACACCAA[G>GA]ATTCGGCCAAAAGATGTCCCTGGGACACTGCTCAATATCGCATTACTTAATTTAGGCAGT-3'